The following is an entry in ClinVar:

ClinVar aggregate classification (germline): Uncertain significance (1 of 4 stars; one submission).

Conditions:
Multiple endocrine neoplasia, type 1 (MEN1). Also called: MEN I; WERMER SYNDROME; Endocrine adenomatosis multiple; MEN 1; MEA I. Identifiers: Orphanet 652, MedGen C0025267, MeSH D018761, MONDO:0007540, OMIM 131100.

Submission:

Labcorp Genetics (formerly Invitae), Labcorp
Classification: Uncertain significance for Multiple endocrine neoplasia, type 1. Last evaluated: 2024-02-15. Review status: criteria provided, single submitter. Criteria: Invitae Variant Classification Sherloc (09022015). Collection method: clinical testing. Allele origin: germline.
Comment: This sequence change replaces threonine, which is neutral and polar, with methionine, which is neutral and non-polar, at codon 580 of the MEN1 protein (p.Thr580Met). This variant is not present in population databases (gnomAD no frequency). This variant has not been reported in the literature in individuals affected with MEN1-related conditions. ClinVar contains an entry for this variant (Variation ID: 942429). Advanced modeling of protein sequence and biophysical properties (such as structural, functional, and spatial information, amino acid conservation, physicochemical variation, residue mobility, and thermodynamic stability) performed at Invitae indicates that this missense variant is expected to disrupt MEN1 protein function with a positive predictive value of 95%. In summary, the available evidence is currently insufficient to determine the role of this variant in disease. Therefore, it has been classified as a Variant of Uncertain Significance.

NM_001370259.2(MEN1):c.1739C>T (p.Thr580Met)

Gene: MEN1 (menin 1; minus strand). Cytogenetic location: 11q13.1.
Variant type: single nucleotide variant.
Coding change: c.1739C>T on transcript NM_001370259.2 (MANE Select); coding-DNA position 1739, C replaced by T.
Protein change: p.Thr580Met; replaces threonine 580 with methionine.
Molecular consequence: missense variant.
Genome position (GRCh38, 1-based): chr11:64,804,428, G>A on the plus strand (C>T on the coding strand, the complement: MEN1 is on the minus strand). VCF-style: chr11-64804428-G-A. GRCh37 (hg19) VCF-style: chr11-64571900-G-A.
Other names: c.1754C>T, p.Thr585Met (NM_000244.4, NM_130800.3, NM_130801.3 and 3 more transcripts); c.1865C>T, p.Thr622Met (NM_001370251.2); c.1739C>T, p.Thr580Met (NM_001370260.2, NM_001370261.2, NM_130799.3); c.1634C>T, p.Thr545Met (NM_001370262.2, NM_001370263.2); short protein forms T545M, T622M, T580M, T585M.
Identifiers: ClinVar variation 942429 (VCV000942429.9), dbSNP rs1941492703, ClinGen allele CA381177502.